The following is an entry in ClinVar:

NM_006796.3(AFG3L2):c.832A>G (p.Ile278Val)

Gene: AFG3L2 (AFG3 like matrix AAA peptidase subunit 2; minus strand). Cytogenetic location: 18p11.21.
Variant type: single nucleotide variant.
Coding change: c.832A>G on transcript NM_006796.3 (MANE Select); coding-DNA position 832, A replaced by G.
Protein change: p.Ile278Val; replaces isoleucine 278 with valine.
Molecular consequence: missense variant.
Genome position (GRCh38, 1-based): chr18:12,358,864, T>C on the plus strand (A>G on the coding strand, the complement: AFG3L2 is on the minus strand). VCF-style: chr18-12358864-T-C. GRCh37 (hg19) VCF-style: chr18-12358863-T-C.
Other names: short protein forms I278V.
Identifiers: ClinVar variation 2859824 (VCV002859824.3), dbSNP rs1381207077, ClinGen allele CA401953795.

ClinVar aggregate classification (germline): Uncertain significance (1 of 4 stars; one submission).

Allele frequency attached by ClinVar (database versions not stated): TOPMed below 0.00001.

Submission:

Labcorp Genetics (formerly Invitae), Labcorp
Classification: Uncertain significance. Last evaluated: 2023-04-27. Review status: criteria provided, single submitter. Criteria: Invitae Variant Classification Sherloc (09022015). Collection method: clinical testing. Allele origin: germline.
Comment: In summary, the available evidence is currently insufficient to determine the role of this variant in disease. Therefore, it has been classified as a Variant of Uncertain Significance. Advanced modeling of protein sequence and biophysical properties (such as structural, functional, and spatial information, amino acid conservation, physicochemical variation, residue mobility, and thermodynamic stability) performed at Invitae indicates that this missense variant is not expected to disrupt AFG3L2 protein function. This variant has not been reported in the literature in individuals affected with AFG3L2-related conditions. This variant is not present in population databases (gnomAD no frequency). This sequence change replaces isoleucine, which is neutral and non-polar, with valine, which is neutral and non-polar, at codon 278 of the AFG3L2 protein (p.Ile278Val).